The following is an entry in ClinVar:

ClinVar aggregate classification (germline): Uncertain significance (1 of 4 stars; one submission).

Allele frequency attached by ClinVar (database versions not stated): ExAC 0.00001; gnomAD exomes 0.00001; gnomAD 0.00002 and 0.00003; TOPMed 0.00002.
gnomAD v4.1: 29 of 1,613,546 alleles (0.0018%); highest among the groups gnomAD compares: Non-Finnish European, 0.0021%; no homozygotes.

Submission:

Labcorp Genetics (formerly Invitae), Labcorp
Classification: Uncertain significance. Last evaluated: 2025-10-29. Review status: criteria provided, single submitter. Criteria: Invitae Variant Classification Sherloc (09022015). Collection method: clinical testing. Allele origin: germline.
Comment: This sequence change replaces leucine, which is neutral and non-polar, with proline, which is neutral and non-polar, at codon 1308 of the DUOX2 protein (p.Leu1308Pro). This variant is present in population databases (rs756258652, gnomAD 0.003%). This variant has not been reported in the literature in individuals affected with DUOX2-related conditions. ClinVar contains an entry for this variant (Variation ID: 1469486). Invitae Evidence Modeling of protein sequence and biophysical properties (such as structural, functional, and spatial information, amino acid conservation, physicochemical variation, residue mobility, and thermodynamic stability) indicates that this missense variant is not expected to disrupt DUOX2 protein function with a negative predictive value of 80%. In summary, the available evidence is currently insufficient to determine the role of this variant in disease. Therefore, it has been classified as a Variant of Uncertain Significance.

NM_001363711.2(DUOX2):c.3923T>C (p.Leu1308Pro)

Gene: DUOX2 (dual oxidase 2; minus strand). Cytogenetic location: 15q21.1.
Variant type: single nucleotide variant.
Coding change: c.3923T>C on transcript NM_001363711.2 (MANE Select); coding-DNA position 3923, T replaced by C.
Protein change: p.Leu1308Pro; replaces leucine 1308 with proline.
Molecular consequence: missense variant.
Genome position (GRCh38, 1-based): chr15:45,095,985, A>G on the plus strand (T>C on the coding strand, the complement: DUOX2 is on the minus strand). VCF-style: chr15-45095985-A-G. GRCh37 (hg19) VCF-style: chr15-45388183-A-G.
Other names: c.3923T>C, p.Leu1308Pro (NM_014080.5); short protein forms L1308P.
Identifiers: ClinVar variation 1469486 (VCV001469486.5), dbSNP rs756258652, ClinGen allele CA7537688.